The following is an entry in ClinVar:

NM_052854.4(CREB3L1):c.436dup (p.Ala146fs)

Gene: CREB3L1 (cAMP responsive element binding protein 3 like 1; plus strand). Cytogenetic location: 11p11.2.
Variant type: Duplication.
Coding change: c.436dup on transcript NM_052854.4 (MANE Select); coding-DNA position 436, one base duplicated (G; older notation c.436dupG).
Protein change: p.Ala146fs; shifts the reading frame from alanine 146.
Molecular consequence: frameshift variant. On other transcripts: non-coding transcript variant (1), intron variant (1).
Genome position (GRCh38, 1-based): chr11:46,307,920, G duplicated; the last of 2 consecutive G bases (chr11:46,307,919-46,307,920); duplicating either gives the same sequence. VCF-style (leftmost placement, unchanged base first): chr11-46307918-C-CG. GRCh37 (hg19) VCF-style: chr11-46329469-C-CG.
Other names: c.436dup, p.Ala146fs (NM_001425266.1); c.430dup, p.Ala144fs (NM_001425267.1); c.298dup, p.Ala100fs (NM_001425268.1); c.332-3112dup (NM_001425269.1); short protein forms A100fs, A144fs, A146fs.
Identifiers: ClinVar variation 5016503 (VCV005016503.1).

ClinVar aggregate classification (germline): Pathogenic (1 of 4 stars; one submission).

Conditions:
Fetal anomalies with a likely genetic cause.

Submission:

Genetics Laboratory, Great Ormond Street Hospital NHS Foundation Trust, North Thames Genomic Laboratory Hub
Classification: Pathogenic for Fetal anomalies with a likely genetic cause. Last evaluated: 2026-08-10. Review status: criteria provided, single submitter. Criteria: ACGS Best Practice Guidelines for Variant Classification in Rare Disease 2024 v1.2. Collection method: clinical testing. Allele origin: germline. Affected: yes.
Comment: PM2_moderate, PVS1_very-strong